The following is an entry in ClinVar:

ClinVar aggregate classification (germline): Pathogenic (1 of 4 stars; one submission).

Conditions:
Tuberous sclerosis 1 (TSC1). Identifiers: Orphanet 805, MedGen C1854465, MONDO:0008612, OMIM 191100.

Submission:

Labcorp Genetics (formerly Invitae), Labcorp
Classification: Pathogenic for Tuberous sclerosis 1. Last evaluated: 2018-06-12. Review status: criteria provided, single submitter. Criteria: Invitae Variant Classification Sherloc (09022015). Collection method: clinical testing. Allele origin: germline.
Comment: For these reasons, this variant has been classified as Pathogenic. Loss-of-function variants in TSC1 are known to be pathogenic (PMID: 10227394, 17304050). This variant has not been reported in the literature in individuals with TSC1-related disease. ClinVar contains an entry for this variant (Variation ID: 534458). This variant is not present in population databases (ExAC no frequency). This sequence change creates a premature translational stop signal (p.Cys586*) in the TSC1 gene. It is expected to result in an absent or disrupted protein product.

Literature cited by the submitters: PubMed 10227394; PubMed 17304050.

NM_000368.5(TSC1):c.1758del (p.Pro585_Cys586insTer)

Gene: TSC1 (TSC complex subunit 1; minus strand). Cytogenetic location: 9q34.13.
Variant type: Deletion.
Coding change: c.1758del on transcript NM_000368.5 (MANE Select); coding-DNA position 1758, one base deleted (T; older notation c.1758delT).
Protein change: p.Pro585_Cys586insTer.
Molecular consequence: nonsense.
Genome position (GRCh38, 1-based): chr9:132,905,820, A deleted on the plus strand (T on the coding strand, the reverse complement: TSC1 is on the minus strand). VCF-style (leftmost placement, unchanged base first): chr9-132905819-TA-T. GRCh37 (hg19) VCF-style: chr9-135781206-TA-T.
Other names: c.1758delT (NM_000368.4); c.1755del, p.Pro584_Cys585insTer (NM_001162426.2); c.1605del, p.Pro534_Cys535insTer (NM_001162427.2); c.1395del, p.Pro464_Cys465insTer (NM_001362177.2).
Identifiers: ClinVar variation 534458 (VCV000534458.6), dbSNP rs1554815856, ClinGen allele CA658797318.